The following is an entry in ClinVar:

ClinVar aggregate classification (germline): Uncertain significance (1 of 4 stars; one submission).

Submission:

Mayo Clinic Laboratories, Mayo Clinic
Classification: Uncertain significance. Last evaluated: 2025-10-08. Review status: criteria provided, single submitter. Criteria: ACMG Guidelines, 2015. Collection method: clinical testing. Allele origin: germline. Observed: 1 variant allele.
Comment: PM2_supporting, PM4

NM_001367624.2(ZNF469):c.5912_5932del (p.Ala1971_Leu1977del)

Gene: ZNF469 (zinc finger protein 469; plus strand). Cytogenetic location: 16q24.2.
Variant type: Deletion.
Coding change: c.5912_5932del on transcript NM_001367624.2 (MANE Select); coding-DNA positions 5912 to 5932, 21 bases deleted (CCGGACATCAGCTGGGGCTGG).
Protein change: p.Ala1971_Leu1977del.
Molecular consequence: inframe deletion.
Genome position (GRCh38, 1-based): chr16:88,433,382-88,433,402, CCGGACATCAGCTGGGGCTGG deleted; deleting any 21 consecutive bases within chr16:88,433,379-88,433,402 gives the same sequence; the c. name uses the placement nearest the transcript's 3' end. VCF-style (leftmost placement, unchanged base first): chr16-88433378-GTGGCCGGACATCAGCTGGGGC-G. GRCh37 (hg19) VCF-style: chr16-88499786-GTGGCCGGACATCAGCTGGGGC-G.
Other names: p.Ala1971_Leu1977del.
Identifiers: ClinVar variation 4542069 (VCV004542069.1).
Genomic context (GRCh38, chr16:88,433,378, plus strand): 5'-GTGGCCTGTGGCCCCGCCCAGGGCTCCCCAGGGGGTGTGCAGGTGACAACTCTCCCTGCA[GTGGCCGGACATCAGCTGGGGC>G]TGGAGGCAGATGGACATTGGGGCTTGCTTGGCCAAGCCGAGAAAACCCAGGGCCAAGGCA-3'